The following is an entry in ClinVar:

ClinVar aggregate classification (germline): Uncertain significance (1 of 4 stars; one submission).

Allele frequency attached by ClinVar (database versions not stated): TOPMed 0.00002; ExAC 0.00003; gnomAD 0.00003.
gnomAD v4.1: 80 of 1,614,108 alleles (0.005%); highest among the groups gnomAD compares: Non-Finnish European, 0.0066%; no homozygotes.

Submission:

Ambry Genetics
Classification: Uncertain significance. Last evaluated: 2023-07-18. Review status: criteria provided, single submitter. Criteria: Ambry Variant Classification Scheme 2023. Collection method: clinical testing. Allele origin: germline.
Comment: The p.E1432K variant (also known as c.4294G>A), located in coding exon 4 of the ALPK2 gene, results from a G to A substitution at nucleotide position 4294. The glutamic acid at codon 1432 is replaced by lysine, an amino acid with similar properties. This amino acid position is conserved. In addition, this alteration is predicted to be tolerated by in silico analysis. Since supporting evidence is limited at this time, the clinical significance of this alteration remains unclear.

NM_052947.4(ALPK2):c.4294G>A (p.Glu1432Lys)

Genes: ALPK2 (alpha kinase 2; minus strand), LOC126862764 (BRD4-independent group 4 enhancer GRCh37_chr18:56202574-56203773; plus strand). Cytogenetic location: 18q21.31.
Variant type: single nucleotide variant.
Coding change: c.4294G>A on transcript NM_052947.4 (MANE Select); coding-DNA position 4294, G replaced by A.
Protein change: p.Glu1432Lys; replaces glutamic acid 1432 with lysine.
Molecular consequence: missense variant.
Genome position (GRCh38, 1-based): chr18:58,535,893, C>T on the plus strand (G>A on the coding strand, the complement: ALPK2 is on the minus strand). VCF-style: chr18-58535893-C-T. GRCh37 (hg19) VCF-style: chr18-56203125-C-T.
Other names: short protein forms E1432K.
Identifiers: ClinVar variation 1739461 (VCV001739461.3), dbSNP rs767336572, ClinGen allele CA8976737.